The following is an entry in ClinVar:

NM_022124.6(CDH23):c.1837A>G (p.Ser613Gly)

Gene: CDH23 (cadherin related 23; plus strand). Cytogenetic location: 10q22.1.
Variant type: single nucleotide variant.
Coding change: c.1837A>G on transcript NM_022124.6 (MANE Select); coding-DNA position 1837, A replaced by G.
Protein change: p.Ser613Gly; replaces serine 613 with glycine.
Molecular consequence: missense variant.
Genome position (GRCh38, 1-based): chr10:71,679,471, A>G. VCF-style: chr10-71679471-A-G. GRCh37 (hg19) VCF-style: chr10-73439228-A-G.
Other names: c.1837A>G, p.Ser613Gly (NM_001171930.2, NM_001171931.2); short protein forms S613G.
Identifiers: ClinVar variation 1040336 (VCV001040336.6), dbSNP rs1864520278, ClinGen allele CA377131141.

ClinVar aggregate classification (germline): Uncertain significance (1 of 4 stars; one submission).

Allele frequency attached by ClinVar (database versions not stated): gnomAD exomes 0.00001.
gnomAD v4.1: 9 of 1,611,068 alleles (0.00056%); highest among the groups gnomAD compares: Non-Finnish European, 0.00068%; no homozygotes.

Submission:

Labcorp Genetics (formerly Invitae), Labcorp
Classification: Uncertain significance. Last evaluated: 2021-09-01. Review status: criteria provided, single submitter. Criteria: Invitae Variant Classification Sherloc (09022015). Collection method: clinical testing. Allele origin: germline.
Comment: This sequence change replaces serine with glycine at codon 613 of the CDH23 protein (p.Ser613Gly). The serine residue is highly conserved and there is a small physicochemical difference between serine and glycine. This variant is not present in population databases (ExAC no frequency). This variant has not been reported in the literature in individuals affected with CDH23-related conditions. Algorithms developed to predict the effect of missense changes on protein structure and function are either unavailable or do not agree on the potential impact of this missense change (SIFT: "Deleterious"; PolyPhen-2: "Not Available"; Align-GVGD: "Class C0"). In summary, the available evidence is currently insufficient to determine the role of this variant in disease. Therefore, it has been classified as a Variant of Uncertain Significance.